The following is an entry in ClinVar:

NM_003628.6(PKP4):c.1453A>C (p.Ile485Leu)

Gene: PKP4 (plakophilin 4; plus strand). Cytogenetic location: 2q24.1.
Variant type: single nucleotide variant.
Coding change: c.1453A>C on transcript NM_003628.6 (MANE Select); coding-DNA position 1453, A replaced by C.
Protein change: p.Ile485Leu; replaces isoleucine 485 with leucine.
Molecular consequence: missense variant.
Genome position (GRCh38, 1-based): chr2:158,634,180, A>C. VCF-style: chr2-158634180-A-C. GRCh37 (hg19) VCF-style: chr2-159490692-A-C.
Other names: c.1453A>C, p.Ile485Leu (NM_001005476.4, NM_001304971.2, NM_001377218.1 and 1 more transcripts); c.1450A>C, p.Ile484Leu (NM_001304969.3, NM_001377219.1, NM_001377220.1 and 2 more transcripts); c.424A>C, p.Ile142Leu (NM_001304970.3); c.1447A>C, p.Ile483Leu (NM_001377222.1, NM_001377223.1); c.1444A>C, p.Ile482Leu (NM_001377224.1); short protein forms I485L, I482L, I142L, I483L, I484L.
Identifiers: ClinVar variation 2625284 (VCV002625284.2), dbSNP rs1266136900, ClinGen allele CA348909656.

ClinVar aggregate classification (germline): Uncertain significance (1 of 4 stars; one submission).

Allele frequency attached by ClinVar (database versions not stated): gnomAD 0.00001.
gnomAD v4.1: 2 of 1,614,006 alleles (0.00012%); highest among the groups gnomAD compares: Non-Finnish European, 0.00017%; no homozygotes.

Submission:

Ambry Genetics
Classification: Uncertain significance. Last evaluated: 2023-06-23. Review status: criteria provided, single submitter. Criteria: Ambry Variant Classification Scheme 2023. Collection method: clinical testing. Allele origin: germline.
Comment: The p.I485L variant (also known as c.1453A>C), located in coding exon 8 of the PKP4 gene, results from an A to C substitution at nucleotide position 1453. The isoleucine at codon 485 is replaced by leucine, an amino acid with highly similar properties. This amino acid position is conserved. In addition, this alteration is predicted to be tolerated by in silico analysis. Since supporting evidence is limited at this time, the clinical significance of this alteration remains unclear.